The following is an entry in ClinVar:

ClinVar aggregate classification (germline): Uncertain significance (1 of 4 stars; one submission).

Submission:

Labcorp Genetics (formerly Invitae), Labcorp
Classification: Uncertain significance. Last evaluated: 2022-07-11. Review status: criteria provided, single submitter. Criteria: Invitae Variant Classification Sherloc (09022015). Collection method: clinical testing. Allele origin: germline.
Comment: In summary, the available evidence is currently insufficient to determine the role of this variant in disease. Therefore, it has been classified as a Variant of Uncertain Significance. This variant has not been reported in the literature in individuals affected with SCP2-related conditions. This variant results in a copy number gain of the genomic region encompassing exon(s) 1-13 of the SCP2 gene. This region includes the initiator codon of the gene. This copy number gain extends beyond the assayed region for this gene and therefore may encompass additional genes. As the precise location of this event is unknown, it may be in tandem or it may be located elsewhere in the genome.

NC_000001.10:g.(?_53153392)_(53493763_?)dup

Genes: COA7 (cytochrome c oxidase assembly factor 7; minus strand), ECHDC2 (enoyl-CoA hydratase domain containing 2; minus strand), SCP2 (sterol carrier protein 2; plus strand), ZYG11A (zyg-11 family member A, cell cycle regulator; plus strand), ZYG11B (zyg-11 family member B, cell cycle regulator; plus strand). Cytogenetic location: 1p32.3.
Variant type: Duplication.
Identifiers: ClinVar variation 1374246 (VCV001374246.5).